The following is an entry in ClinVar:

ClinVar aggregate classification (germline): Uncertain significance (1 of 4 stars; one submission).

Conditions:
Combined immunodeficiency due to LRBA deficiency. Also called: Common variable immunodeficiency 8, with autoimmunity. Identifiers: Orphanet 445018, MedGen C3553512, MONDO:0013863, OMIM 614700.

gnomAD v4.1: 1 of 1,613,482 alleles (0.000062%); highest among the groups gnomAD compares: Middle Eastern, 0.016%; no homozygotes.

Submission:

Victorian Clinical Genetics Services, Murdoch Childrens Research Institute
Classification: Uncertain significance for Combined immunodeficiency due to LRBA deficiency. Last evaluated: 2025-08-18. Review status: criteria provided, single submitter. Criteria: ACMG Guidelines, 2015. Collection method: clinical testing. Allele origin: germline. Affected: yes.
Comment: This variant is classified as VUS-3B. Evidence in support of pathogenic classification: Variant is present in gnomAD <0.01 for a recessive condition (v4: 1 heterozygote(s), 0 homozygote(s)). Additional information: Variant is predicted to result in a missense amino acid change from Ile to Thr; This variant is homozygous; This gene is associated with autosomal recessive disease; Alternative amino acid change(s) at the same position are present in gnomAD (Highest allele count: v4: 1 heterozygote(s), 0 homozygote(s)); This variant has no previous evidence of pathogenicity; No published evidence of segregation with disease has been identified for this variant; No published functional evidence has been identified for this variant; No comparable missense variants have previous evidence for pathogenicity; Variant is not located in an established domain, motif, hotspot or informative constraint region; Missense variant with inconclusive in silico prediction and uninformative conservation; Loss of function is a known mechanism of disease in this gene and is associated with immunodeficiency, common variable, 8, with autoimmunity (MIM#614700); The condition associated with this gene has incomplete penetrance (PMIDs: 31432443, 28473463); Inheritance information for this variant is not currently available in this individual.

Literature cited by the submitters: PubMed 31432443; PubMed 28473463.

NM_001364905.1(LRBA):c.4253T>C (p.Ile1418Thr)

Gene: LRBA (LPS responsive beige-like anchor protein; minus strand). Cytogenetic location: 4q31.3.
Variant type: single nucleotide variant.
Coding change: c.4253T>C on transcript NM_001364905.1 (MANE Select); coding-DNA position 4253, T replaced by C.
Protein change: p.Ile1418Thr; replaces isoleucine 1418 with threonine.
Molecular consequence: missense variant.
Genome position (GRCh38, 1-based): chr4:150,848,904, A>G on the plus strand (T>C on the coding strand, the complement: LRBA is on the minus strand). VCF-style: chr4-150848904-A-G. GRCh37 (hg19) VCF-style: chr4-151770056-A-G.
Other names: c.4253T>C, p.Ile1418Thr (NM_001199282.3, NM_001367550.1, NM_001440430.1 and 2 more transcripts); short protein forms I1418T.
Identifiers: ClinVar variation 4531934 (VCV004531934.1).